The following is an entry in ClinVar:

ClinVar aggregate classification (germline): Uncertain significance (1 of 4 stars; one submission).

Submission:

Labcorp Genetics (formerly Invitae), Labcorp
Classification: Uncertain significance. Last evaluated: 2025-03-18. Review status: criteria provided, single submitter. Criteria: Invitae Variant Classification Sherloc (09022015). Collection method: clinical testing. Allele origin: germline.
Comment: This sequence change replaces arginine, which is basic and polar, with cysteine, which is neutral and slightly polar, at codon 291 of the HYOU1 protein (p.Arg291Cys). This variant is not present in population databases (gnomAD no frequency). This variant has not been reported in the literature in individuals affected with HYOU1-related conditions. An algorithm developed to predict the effect of missense changes on protein structure and function (PolyPhen-2) suggests that this variant is likely to be disruptive. In summary, the available evidence is currently insufficient to determine the role of this variant in disease. Therefore, it has been classified as a Variant of Uncertain Significance.

NM_006389.5(HYOU1):c.871C>T (p.Arg291Cys)

Gene: HYOU1 (hypoxia up-regulated 1; minus strand). Cytogenetic location: 11q23.3.
Variant type: single nucleotide variant.
Coding change: c.871C>T on transcript NM_006389.5 (MANE Select); coding-DNA position 871, C replaced by T.
Protein change: p.Arg291Cys; replaces arginine 291 with cysteine.
Molecular consequence: missense variant.
Genome position (GRCh38, 1-based): chr11:119,052,753, G>A on the plus strand (C>T on the coding strand, the complement: HYOU1 is on the minus strand). VCF-style: chr11-119052753-G-A. GRCh37 (hg19) VCF-style: chr11-118923465-G-A.
Other names: c.871C>T, p.Arg291Cys (NM_001130991.3, NM_001411041.1); short protein forms R291C.
Identifiers: ClinVar variation 4772464 (VCV004772464.1).